The following is an entry in ClinVar:

NM_001267550.2(TTN):c.-13-5T>C

Gene: TTN (titin; minus strand). Cytogenetic location: 2q31.2.
Variant type: single nucleotide variant.
Coding change: c.-13-5T>C on transcript NM_001267550.2 (MANE Select); 5 bases into the intron before 13 bases upstream of the start codon, T replaced by C.
Molecular consequence: intron variant.
Genome position (GRCh38, 1-based): chr2:178,804,660, A>G on the plus strand (T>C on the coding strand, the complement: TTN is on the minus strand). VCF-style: chr2-178804660-A-G. GRCh37 (hg19) VCF-style: chr2-179669387-A-G.
Other names: c.-13-5T>C (NM_003319.4, NM_133437.4, NM_133432.3 and 3 more transcripts).
Identifiers: ClinVar variation 4689170 (VCV004689170.2).

ClinVar aggregate classification (germline): Conflicting classifications of pathogenicity. Review status: criteria provided, conflicting classifications (1 of 4 stars). 2 submissions from 2 submitters: Uncertain significance (1); Likely benign (1). Last evaluated 2026-01-28.

gnomAD v4.1: 18 of 1,613,020 alleles (0.0011%); highest among the groups gnomAD compares: Non-Finnish European, 0.0014%; no homozygotes.

Submissions (2):

Women's Health and Genetics/Laboratory Corporation of America, LabCorp
Classification: Uncertain significance. Last evaluated: 2026-01-28. Review status: criteria provided, single submitter. Criteria: LabCorp Variant Classification Summary - May 2015. Collection method: clinical testing. Allele origin: germline.
Comment: Variant summary: TTN c.-13-5T>C is located in the untranslated mRNA region upstream of the initiation codon. Consensus agreement among computation tools predict no significant impact on normal splicing. However, these predictions have yet to be confirmed by functional studies. The variant was absent in 249124 control chromosomes. The available data on variant occurrences in the general population are insufficient to allow any conclusion about variant significance. To our knowledge, no occurrence of c.-13-5T>C in individuals affected with TTN-related conditions and no experimental evidence demonstrating its impact on protein function have been reported. No submitters have cited clinical-significance assessments for this variant to ClinVar. Based on the evidence outlined above, the variant was classified as uncertain significance.

Blueprint Genetics
Classification: Likely benign. Last evaluated: 2023-01-13. Review status: criteria provided, single submitter. Criteria: ACMG Guidelines, 2015. Collection method: clinical testing. Allele origin: germline.